The following is an entry in ClinVar:

ClinVar aggregate classification (germline): Uncertain significance (1 of 4 stars; one submission).

Conditions:
Brugada syndrome. Also called: Sudden unexpected nocturnal death syndrome; Sudden unexplained nocturnal death syndrome; Sudden Unexplained Death Syndrome; Sudden Unexplained Nocturnal Death Syndrome (SUNDS). Identifiers: Orphanet 130, MedGen C1142166, MONDO:0015263.

gnomAD v4.1: 9 of 1,614,064 alleles (0.00056%); highest among the groups gnomAD compares: Admixed American, 0.0017%; no homozygotes.

Submission:

Labcorp Genetics (formerly Invitae), Labcorp
Classification: Uncertain significance for Brugada syndrome. Last evaluated: 2025-02-02. Review status: criteria provided, single submitter. Criteria: Invitae Variant Classification Sherloc (09022015). Collection method: clinical testing. Allele origin: germline.
Comment: This sequence change replaces arginine, which is basic and polar, with histidine, which is basic and polar, at codon 1594 of the SCN10A protein (p.Arg1594His). This variant is present in population databases (rs769338143, gnomAD 0.009%). This variant has not been reported in the literature in individuals affected with SCN10A-related conditions. Invitae Evidence Modeling of protein sequence and biophysical properties (such as structural, functional, and spatial information, amino acid conservation, physicochemical variation, residue mobility, and thermodynamic stability) has been performed for this missense variant. However, the output from this modeling did not meet the statistical confidence thresholds required to predict the impact of this variant on SCN10A protein function. In summary, the available evidence is currently insufficient to determine the role of this variant in disease. Therefore, it has been classified as a Variant of Uncertain Significance.

NM_006514.4(SCN10A):c.4781G>A (p.Arg1594His)

Gene: SCN10A (sodium voltage-gated channel alpha subunit 10; minus strand). Cytogenetic location: 3p22.2.
Variant type: single nucleotide variant.
Coding change: c.4781G>A on transcript NM_006514.4 (MANE Select); coding-DNA position 4781, G replaced by A.
Protein change: p.Arg1594His; replaces arginine 1594 with histidine.
Molecular consequence: missense variant.
Genome position (GRCh38, 1-based): chr3:38,698,439, C>T on the plus strand (G>A on the coding strand, the complement: SCN10A is on the minus strand). VCF-style: chr3-38698439-C-T. GRCh37 (hg19) VCF-style: chr3-38739930-C-T.
Other names: c.4778G>A, p.Arg1593His (NM_001293306.2); c.4487G>A, p.Arg1496His (NM_001293307.2); short protein forms R1594H, R1496H, R1593H.
Identifiers: ClinVar variation 3712658 (VCV003712658.2).